The following is an entry in ClinVar:

ClinVar aggregate classification (germline): Likely benign. Review status: criteria provided, multiple submitters, no conflicts (2 of 4 stars). 2 submissions from 2 submitters: Likely benign (2). Last evaluated 2025-12-01.

Conditions:
RASopathy. Also called: rasopathies; Noonan spectrum disorder. Identifiers: Orphanet 536391, MedGen C5555857, MONDO:0021060.

Allele frequency attached by ClinVar (database versions not stated): gnomAD exomes below 0.00001 and 0.00002; TOPMed 0.00002; ExAC 0.00004.
gnomAD v4.1: 2 of 1,612,692 alleles (0.00012%); highest among the groups gnomAD compares: East Asian, 0.0045%; no homozygotes.

Submissions (2):

Labcorp Genetics (formerly Invitae), Labcorp
Classification: Likely benign for RASopathy. Last evaluated: 2025-12-01. Review status: criteria provided, single submitter. Criteria: Invitae Variant Classification Sherloc (09022015). Collection method: clinical testing. Allele origin: germline.

GeneDx
Classification: Likely benign. Last evaluated: 2016-07-11. Review status: criteria provided, single submitter. Criteria: GeneDx Variant Classification (06012015). Collection method: clinical testing. Allele origin: germline. Affected: yes.
Comment: This variant is considered likely benign or benign based on one or more of the following criteria: it is a conservative change, it occurs at a poorly conserved position in the protein, it is predicted to be benign by multiple in silico algorithms, and/or has population frequency not consistent with disease.

NM_005188.4(CBL):c.1941+17A>T

Gene: CBL (Cbl proto-oncogene; plus strand). Cytogenetic location: 11q23.3.
Variant type: single nucleotide variant.
Coding change: c.1941+17A>T on transcript NM_005188.4 (MANE Select); 17 bases into the intron after coding-DNA position 1941, A replaced by T.
Molecular consequence: intron variant.
Genome position (GRCh38, 1-based): chr11:119,285,583, A>T. VCF-style: chr11-119285583-A-T. GRCh37 (hg19) VCF-style: chr11-119156293-A-T.
Identifiers: ClinVar variation 387692 (VCV000387692.4), dbSNP rs752171870, ClinGen allele CA6318632.